The following is an entry in ClinVar:

ClinVar aggregate classification (germline): Pathogenic/Likely pathogenic. Review status: criteria provided, multiple submitters, no conflicts (2 of 4 stars). 4 submissions from 4 submitters: Pathogenic (2); Likely pathogenic (2). Last evaluated 2025-04-23.

Conditions:
Corticosterone methyloxidase type 2 deficiency. Also called: 18-OXIDASE DEFICIENCY; ALDOSTERONE DEFICIENCY DUE TO DEFICIENCY OF STEROID 18-OXIDASE; ALDOSTERONE DEFICIENCY II; CMO II DEFICIENCY; STEROID 18-OXIDASE DEFICIENCY. Identifiers: Orphanet 427, MedGen C3463917, MONDO:0012524, OMIM 610600. Disease mechanism: loss of function.
CYP11B2-related disorder.
Corticosterone methyl oxidase type II deficiency.

Submissions (4):

Natera, Inc.
Classification: Likely pathogenic for Corticosterone methyl oxidase type II deficiency. Last evaluated: 2025-04-23. Review status: criteria provided, single submitter. Criteria: Natera Variant Classification Schema (03/2026). Collection method: clinical testing. Allele origin: germline.
Comment: The c.545_546dupGG variant in CYP11B2 is a frameshift variant predicted to shift the reading frame beginning at codon 183 and leads to a stop codon 3 codons downstream. This variant is expected to result in nonsense mediated decay, truncation, or a dysfunctional protein product. This variant is rare in the general population with a frequency below the threshold expected for the associated phenotype(s). Given the available evidence, this variant is classified as Likely Pathogenic.

Labcorp Genetics (formerly Invitae), Labcorp
Classification: Pathogenic. Last evaluated: 2024-01-29. Review status: criteria provided, single submitter. Criteria: Invitae Variant Classification Sherloc (09022015). Collection method: clinical testing. Allele origin: germline.
Comment: This sequence change creates a premature translational stop signal (p.Ser183Glyfs*3) in the CYP11B2 gene. It is expected to result in an absent or disrupted protein product. Loss-of-function variants in CYP11B2 are known to be pathogenic (PMID: 20494601, 22801770, 26936515). This variant is present in population databases (rs771908700, gnomAD 0.007%). This variant has not been reported in the literature in individuals affected with CYP11B2-related conditions. ClinVar contains an entry for this variant (Variation ID: 662033). For these reasons, this variant has been classified as Pathogenic.

Clinical Biochemistry Laboratory, Health Services Laboratory
Classification: Pathogenic for CYP11B2-related disorder. Last evaluated: 2023-11-20. Review status: criteria provided, single submitter. Criteria: ACMG Guidelines, 2015. Collection method: clinical testing. Allele origin: germline. Affected: yes.
Comment: ACMG:PVS1 PM2 PM3

Department of Pathology and Laboratory Medicine, Sinai Health System
Classification: Likely pathogenic for Corticosterone methyloxidase type 2 deficiency. Last evaluated: 2022-06-30. Review status: criteria provided, single submitter. Criteria: ACMG Guidelines, 2015. Collection method: research. Allele origin: germline.

Literature cited by the submitters: PubMed 20494601 (cited by Labcorp Genetics (formerly Invitae), Labcorp); PubMed 22801770 (cited by Labcorp Genetics (formerly Invitae), Labcorp); PubMed 26936515 (cited by Labcorp Genetics (formerly Invitae), Labcorp).

NM_000498.3(CYP11B2):c.545_546dup (p.Ser183fs)

Genes: CYP11B2 (cytochrome P450 family 11 subfamily B member 2; minus strand), LOC106799834 (CYP11B2 recombination region; plus strand). Cytogenetic location: 8q24.3.
Variant type: Duplication.
Coding change: c.545_546dup on transcript NM_000498.3 (MANE Select); coding-DNA positions 545 to 546, 2 bases duplicated (GG; older notation c.545_546dupGG).
Protein change: p.Ser183fs; shifts the reading frame from serine 183.
Molecular consequence: frameshift variant.
Genome position (GRCh38, 1-based): chr8:142,915,095-142,915,096, CC duplicated on the plus strand (GG on the coding strand, the reverse complement: CYP11B2 is on the minus strand); duplicating any 2 consecutive bases within chr8:142,915,095-142,915,099 gives the same sequence; the c. name uses the placement nearest the transcript's 3' end. VCF-style (leftmost placement, unchanged base first): chr8-142915094-T-TCC. GRCh37 (hg19) VCF-style: chr8-143996510-T-TCC.
Other names: c.545_546dupGG (NM_000498.3); short protein forms S183fs.
Identifiers: ClinVar variation 662033 (VCV000662033.11), dbSNP rs771908700, ClinGen allele CA4906174.